The following is an entry in ClinVar:

ClinVar aggregate classification (germline): Uncertain significance. Review status: criteria provided, multiple submitters, no conflicts (2 of 4 stars). 2 submissions from 2 submitters: Uncertain significance (2). Last evaluated 2024-05-31.

Conditions:
Familial focal epilepsy with variable foci (FPEVF). Identifiers: Orphanet 98820, MedGen C1858477, MONDO:0020310.

Allele frequency attached by ClinVar (database versions not stated): gnomAD exomes below 0.00001; gnomAD 0.00001; TOPMed 0.00002; ESP Exome Variant Server 0.00008.

Submissions (2):

Labcorp Genetics (formerly Invitae), Labcorp
Classification: Uncertain significance for Familial focal epilepsy with variable foci. Last evaluated: 2024-05-31. Review status: criteria provided, single submitter. Criteria: Invitae Variant Classification Sherloc (09022015). Collection method: clinical testing. Allele origin: germline.
Comment: This sequence change replaces serine, which is neutral and polar, with threonine, which is neutral and polar, at codon 213 of the DEPDC5 protein (p.Ser213Thr). This variant is not present in population databases (gnomAD no frequency). This variant has not been reported in the literature in individuals affected with DEPDC5-related conditions. ClinVar contains an entry for this variant (Variation ID: 423449). Experimental studies and prediction algorithms are not available or were not evaluated, and the functional significance of this variant is currently unknown. In summary, the available evidence is currently insufficient to determine the role of this variant in disease. Therefore, it has been classified as a Variant of Uncertain Significance.

GeneDx
Classification: Uncertain significance. Last evaluated: 2019-12-19. Review status: criteria provided, single submitter. Criteria: GeneDx Variant Classification Process June 2021. Collection method: clinical testing. Allele origin: germline. Affected: yes.
Comment: Not observed in large population cohorts (Lek et al., 2016); In silico analysis, which includes protein predictors and evolutionary conservation, supports that this variant does not alter protein structure/function; Has not been previously published as pathogenic or benign to our knowledge

NM_001242896.3(DEPDC5):c.638G>C (p.Ser213Thr)

Gene: DEPDC5 (DEP domain containing 5, GATOR1 subcomplex subunit; plus strand). Cytogenetic location: 22q12.2.
Variant type: single nucleotide variant.
Coding change: c.638G>C on transcript NM_001242896.3 (MANE Select); coding-DNA position 638, G replaced by C.
Protein change: p.Ser213Thr; replaces serine 213 with threonine.
Molecular consequence: missense variant. On other transcripts: non-coding transcript variant (5).
Genome position (GRCh38, 1-based): chr22:31,792,046, G>C. VCF-style: chr22-31792046-G-C. GRCh37 (hg19) VCF-style: chr22-32188032-G-C.
Other names: c.638G>C, p.Ser213Thr (NM_001007188.4, NM_001136029.4, NM_001242897.2 and 7 more transcripts); c.554G>C, p.Ser185Thr (NM_001369901.1, NM_001369902.1); short protein forms S213T, S185T.
Identifiers: ClinVar variation 423449 (VCV000423449.9), dbSNP rs374290113, ClinGen allele CA16621100.